The following is an entry in ClinVar:

NM_000492.4(CFTR):c.232T>G (p.Phe78Val)

Gene: CFTR (CF transmembrane conductance regulator; plus strand). Cytogenetic location: 7q31.2.
Variant type: single nucleotide variant.
Coding change: c.232T>G on transcript NM_000492.4 (MANE Select); coding-DNA position 232, T replaced by G.
Protein change: p.Phe78Val; replaces phenylalanine 78 with valine.
Molecular consequence: missense variant.
Genome position (GRCh38, 1-based): chr7:117,509,101, T>G. VCF-style: chr7-117509101-T-G. GRCh37 (hg19) VCF-style: chr7-117149155-T-G.
Other names: short protein forms F78V.
Identifiers: ClinVar variation 4825408 (VCV004825408.1).
Genomic context (GRCh38, chr7:117,509,101, plus strand): 5'-GATAGAGAGCTGGCTTCAAAGAAAAATCCTAAACTCATTAATGCCCTTCGGCGATGTTTT[T>G]TCTGGAGATTTATGTTCTATGGAATCTTTTTATATTTAGGGGTAAGGATCTCATTTGTAC-3'
Protein context (NP_000483.3, residues 68-88): KLINALRRCF[Phe78Val]WRFMFYGIFL

ClinVar aggregate classification (germline): Uncertain significance (1 of 4 stars; one submission).

Conditions:
Cystic fibrosis (CF). Also called: MUCOVISCIDOSIS. Identifiers: Orphanet 586, MedGen C0010674, MONDO:0009061, OMIM 219700. Disease mechanism: loss of function.

Submission:

Ambry Genetics
Classification: Uncertain significance for Cystic fibrosis. Last evaluated: 2026-01-20. Review status: criteria provided, single submitter. Criteria: Ambry Variant Classification Scheme 2023. Collection method: clinical testing. Allele origin: germline.
Comment: The p.F78V variant (also known as c.232T>G), located in coding exon 3 of the CFTR gene, results from a T to G substitution at nucleotide position 232. The phenylalanine at codon 78 is replaced by valine, an amino acid with highly similar properties. This amino acid position is well conserved in available vertebrate species. In addition, the in silico prediction for this alteration is inconclusive. Based on the available evidence, the clinical significance of this variant remains unclear.